The following is an entry in ClinVar:

ClinVar aggregate classification (germline): Uncertain significance. Review status: criteria provided, multiple submitters, no conflicts (2 of 4 stars). 2 submissions from 2 submitters: Uncertain significance (2). Last evaluated 2023-11-22.

Conditions:
Hereditary sensory and autonomic neuropathy type 6. Also called: HSAN VI; Neuropathy, hereditary sensory and autonomic, type VI. Identifiers: Orphanet 314381, MedGen C3539003, MONDO:0013839, OMIM 614653.
Epidermolysis bullosa simplex 3, localized or generalized intermediate, with BP230 deficiency (EBS3). Also called: Epidermolysis bullosa simplex, autosomal recessive 2; Epidermolysis bullosa simplex due to BP230 deficiency. Identifiers: Orphanet 412181, MedGen C3809470, MONDO:0014180, OMIM 615425.
Inborn genetic diseases. Identifiers: MedGen C0950123, MeSH D030342.

Allele frequency attached by ClinVar (database versions not stated): gnomAD 0.00001; gnomAD exomes 0.00001; ExAC 0.00002.
gnomAD v4.1: 22 of 1,613,724 alleles (0.0014%); highest among the groups gnomAD compares: South Asian, 0.024%; 1 homozygote.

Submissions (2):

Ambry Genetics
Classification: Uncertain significance for Inborn genetic diseases. Last evaluated: 2023-11-22. Review status: criteria provided, single submitter. Criteria: Ambry Variant Classification Scheme 2023. Collection method: clinical testing. Allele origin: germline.

Labcorp Genetics (formerly Invitae), Labcorp
Classification: Uncertain significance for Epidermolysis bullosa simplex 3, localized or generalized intermediate, with BP230 deficiency; Hereditary sensory and autonomic neuropathy type 6. Last evaluated: 2022-02-01. Review status: criteria provided, single submitter. Criteria: Invitae Variant Classification Sherloc (09022015). Collection method: clinical testing. Allele origin: germline.
Comment: In summary, the available evidence is currently insufficient to determine the role of this variant in disease. Therefore, it has been classified as a Variant of Uncertain Significance. Experimental studies and prediction algorithms are not available or were not evaluated, and the functional significance of this variant is currently unknown. This variant has not been reported in the literature in individuals affected with DST-related conditions. This variant is present in population databases (rs755497057, gnomAD 0.02%). This sequence change replaces glutamic acid, which is acidic and polar, with glycine, which is neutral and non-polar, at codon 1393 of the DST protein (p.Glu1393Gly). The DST gene has multiple clinically relevant transcripts. This variant occurs in alternate transcript NM_015548.4, and corresponds to NM_001723.5:c.*17629A>G in the primary transcript.

NM_001374736.1(DST):c.12047A>G (p.Glu4016Gly)

Gene: DST (dystonin; minus strand). Cytogenetic location: 6p12.1.
Variant type: single nucleotide variant.
Coding change: c.12047A>G on transcript NM_001374736.1 (MANE Select); coding-DNA position 12047, A replaced by G.
Protein change: p.Glu4016Gly; replaces glutamic acid 4016 with glycine.
Molecular consequence: missense variant.
Genome position (GRCh38, 1-based): chr6:56,597,888, T>C on the plus strand (A>G on the coding strand, the complement: DST is on the minus strand). VCF-style: chr6-56597888-T-C. GRCh37 (hg19) VCF-style: chr6-56462686-T-C.
Other names: c.5690A>G, p.Glu1897Gly (NM_001144769.5); c.5276A>G, p.Glu1759Gly (NM_001144770.2); c.12047A>G, p.Glu4016Gly (NM_001374722.1); c.11414A>G, p.Glu3805Gly (NM_001374729.1); c.5156A>G, p.Glu1719Gly (NM_001374730.1, NM_001386100.1, NM_183380.4); c.12074A>G, p.Glu4025Gly (NM_001374734.1); c.4178A>G, p.Glu1393Gly (NM_015548.5); c.5690A>G (NM_001144769.2); short protein forms E1393G, E1897G, E4025G, E1719G, E1759G, E3805G, E4016G.
Identifiers: ClinVar variation 1901899 (VCV001901899.6), dbSNP rs755497057, ClinGen allele CA3868526.
Genomic context (GRCh38, chr6:56,597,888, plus strand): 5'-TCATCCTCTTCTCCAATTGCTGACTTGCCATCACCTTCTTGAAAATGGGTCCCGTTCTGT[T>C]CGATTACCTGTTTGTGTTTTGTCCCTGCCCTTTCTGAGTCTTTGTCAACATTTGACAACC-3'
Protein context (NP_001361665.1, residues 4006-4026): RAGTKHKQVI[Glu4016Gly]QNGTHFQEGD